The following is an entry in ClinVar:

NM_001242896.3(DEPDC5):c.3901G>T (p.Glu1301Ter)

Gene: DEPDC5 (DEP domain containing 5, GATOR1 subcomplex subunit; plus strand). Cytogenetic location: 22q12.3.
Variant type: single nucleotide variant.
Coding change: c.3901G>T on transcript NM_001242896.3 (MANE Select); coding-DNA position 3901, G replaced by T.
Protein change: p.Glu1301Ter; replaces glutamic acid 1301 with a stop codon.
Molecular consequence: nonsense. On other transcripts: non-coding transcript variant (5).
Genome position (GRCh38, 1-based): chr22:31,879,620, G>T. VCF-style: chr22-31879620-G-T. GRCh37 (hg19) VCF-style: chr22-32275606-G-T.
Other names: c.3874G>T, p.Glu1292Ter (NM_001136029.4); c.3601G>T, p.Glu1201Ter (NM_001242897.2); c.3835G>T, p.Glu1279Ter (NM_001363852.2, NM_001364320.2); c.3667G>T, p.Glu1223Ter (NM_001363854.2, NM_001364319.2); c.3901G>T, p.Glu1301Ter (NM_001364318.2); c.3817G>T, p.Glu1273Ter (NM_001369901.1, NM_001369902.1); c.3808G>T, p.Glu1270Ter (NM_001369903.1, NM_014662.6); short protein forms E1201*, E1223*, E1273*, E1301*, E1292*, E1270*, E1279*.
Identifiers: ClinVar variation 3729187 (VCV003729187.2).

ClinVar aggregate classification (germline): Pathogenic (1 of 4 stars; one submission).

Conditions:
Familial focal epilepsy with variable foci (FPEVF). Identifiers: Orphanet 98820, MedGen C1858477, MONDO:0020310.

Submission:

Labcorp Genetics (formerly Invitae), Labcorp
Classification: Pathogenic for Familial focal epilepsy with variable foci. Last evaluated: 2025-01-19. Review status: criteria provided, single submitter. Criteria: Invitae Variant Classification Sherloc (09022015). Collection method: clinical testing. Allele origin: germline.
Comment: This sequence change creates a premature translational stop signal (p.Glu1301*) in the DEPDC5 gene. It is expected to result in an absent or disrupted protein product. Loss-of-function variants in DEPDC5 are known to be pathogenic (PMID: 23542697, 23542701). This variant is not present in population databases (gnomAD no frequency). This variant has not been reported in the literature in individuals affected with DEPDC5-related conditions. For these reasons, this variant has been classified as Pathogenic.

Literature cited by the submitters: PubMed 23542697; PubMed 23542701.